The following is an entry in ClinVar:

ClinVar aggregate classification (germline): Uncertain significance (0 of 4 stars; one submission).

Conditions:
MNX1-related disorder. Also called: MNX1-related condition.

Submission:

PreventionGenetics, part of Exact Sciences
Classification: Uncertain significance for MNX1-related condition. Last evaluated: 2024-04-04. Review status: no assertion criteria provided. Collection method: clinical testing. Allele origin: germline.
Comment: The MNX1 c.665T>A variant is predicted to result in the amino acid substitution p.Ile222Asn. To our knowledge, this variant has not been reported in the literature or in a large population database, indicating this variant is rare. At this time, the clinical significance of this variant is uncertain due to the absence of conclusive functional and genetic evidence.

NM_005515.4(MNX1):c.665T>A (p.Ile222Asn)

Gene: MNX1 (motor neuron and pancreas homeobox 1; minus strand). Cytogenetic location: 7q36.3.
Variant type: single nucleotide variant.
Coding change: c.665T>A on transcript NM_005515.4 (MANE Select); coding-DNA position 665, T replaced by A.
Protein change: p.Ile222Asn; replaces isoleucine 222 with asparagine.
Molecular consequence: missense variant.
Genome position (GRCh38, 1-based): chr7:157,009,686, A>T on the plus strand (T>A on the coding strand, the complement: MNX1 is on the minus strand). VCF-style: chr7-157009686-A-T. GRCh37 (hg19) VCF-style: chr7-156802380-A-T.
Other names: short protein forms I222N.
Identifiers: ClinVar variation 3353982 (VCV003353982.1).